The following is an entry in ClinVar:

ClinVar aggregate classification (germline): Likely benign. Review status: criteria provided, multiple submitters, no conflicts (2 of 4 stars). 6 submissions from 5 submitters: Likely benign (5). 1 of the submissions does not count toward it. Last evaluated 2025-09-15.

Conditions:
USH2A-related disorder. Also called: USH2A-related disorders; USH2A-related condition. Identifiers: MedGen CN239332.
Retinitis pigmentosa 39 (RP39). Identifiers: Orphanet 791, MedGen C3151138, MONDO:0013436, OMIM 613809.
Usher syndrome type 2A. Also called: RETINAL DISEASE IN USHER SYNDROME TYPE IIA, MODIFIER OF; USHER SYNDROME, TYPE IIA. Identifiers: Orphanet 231178, Orphanet 886, MedGen C1848634, MONDO:0010169, OMIM 276901.

Allele frequency attached by ClinVar (database versions not stated): ExAC 0.00001; TOPMed 0.00001; gnomAD exomes 0.00002.
gnomAD v4.1: 26 of 1,613,954 alleles (0.0016%); highest among the groups gnomAD compares: South Asian, 0.0088%; no homozygotes.

Submissions (6):

Labcorp Genetics (formerly Invitae), Labcorp
Classification: Likely benign. Last evaluated: 2025-09-15. Review status: criteria provided, single submitter. Criteria: Invitae Variant Classification Sherloc (09022015). Collection method: clinical testing. Allele origin: germline.

Blueprint Genetics
Classification: Likely benign. Last evaluated: 2024-10-08. Review status: criteria provided, single submitter. Criteria: ACMG Guidelines, 2015. Collection method: clinical testing. Allele origin: germline.

Genome-Nilou Lab
Classification: Likely benign for Retinitis pigmentosa 39. Last evaluated: 2023-11-04. Review status: criteria provided, single submitter. Criteria: ACMG Guidelines, 2015. Collection method: clinical testing. Allele origin: germline. Affected: no.

Genome-Nilou Lab
Classification: Likely benign for Usher syndrome type 2A. Last evaluated: 2023-11-04. Review status: criteria provided, single submitter. Criteria: ACMG Guidelines, 2015. Collection method: clinical testing. Allele origin: germline. Affected: no.

Laboratory for Molecular Medicine, Mass General Brigham Personalized Medicine
Classification: Likely benign. Last evaluated: 2017-06-22. Review status: criteria provided, single submitter. Criteria: LMM Criteria. Collection method: clinical testing. Allele origin: germline. Observed: 1 variant allele.
Comment: p.Ser4700Ser in exon 64 of USH2A: This variant is not expected to have clinical significance because it does not alter an amino acid residue and is not located within the splice consensus sequence. It has been identified in 3/30782 South A sian chromosomes by the Genome Aggregation Database (gnomAD; dbSNP rs778162193).

PreventionGenetics, part of Exact Sciences
Classification: Likely benign for USH2A-related condition. Last evaluated: 2019-09-23. Review status: no assertion criteria provided. Collection method: clinical testing. Allele origin: germline. Not counted in ClinVar's aggregate classification.
Comment: This variant is classified as likely benign based on ACMG/AMP sequence variant interpretation guidelines (Richards et al. 2015 PMID: 25741868, with internal and published modifications).

NM_206933.4(USH2A):c.14100C>T (p.Ser4700=)

Gene: USH2A (usherin; minus strand). Cytogenetic location: 1q41.
Variant type: single nucleotide variant.
Coding change: c.14100C>T on transcript NM_206933.4 (MANE Select); coding-DNA position 14100, C replaced by T.
Protein change: p.Ser4700=; no amino-acid change (serine 4700 retained).
Molecular consequence: synonymous variant.
Genome position (GRCh38, 1-based): chr1:215,671,005, G>A on the plus strand (C>T on the coding strand, the complement: USH2A is on the minus strand). VCF-style: chr1-215671005-G-A. GRCh37 (hg19) VCF-style: chr1-215844347-G-A.
Identifiers: ClinVar variation 517427 (VCV000517427.19), dbSNP rs778162193, ClinGen allele CA1393151.